The following is an entry in ClinVar:

ClinVar aggregate classification (germline): Uncertain significance. Review status: criteria provided, multiple submitters, no conflicts (2 of 4 stars). 2 submissions from 2 submitters: Uncertain significance (2). Last evaluated 2024-07-25.

Allele frequency attached by ClinVar (database versions not stated): gnomAD exomes below 0.00001; TOPMed below 0.00001; gnomAD 0.00001; ExAC 0.00002.
gnomAD v4.1: 4 of 1,613,976 alleles (0.00025%); highest among the groups gnomAD compares: East Asian, 0.0022%; no homozygotes.

Submissions (2):

GeneDx
Classification: Uncertain significance. Last evaluated: 2024-07-25. Review status: criteria provided, single submitter. Criteria: GeneDx Variant Classification Process June 2021. Collection method: clinical testing. Allele origin: germline. Affected: yes.
Comment: In silico analysis indicates that this missense variant does not alter protein structure/function; Has not been previously published as pathogenic or benign to our knowledge

Labcorp Genetics (formerly Invitae), Labcorp
Classification: Uncertain significance. Last evaluated: 2023-08-04. Review status: criteria provided, single submitter. Criteria: Invitae Variant Classification Sherloc (09022015). Collection method: clinical testing. Allele origin: germline.
Comment: In summary, the available evidence is currently insufficient to determine the role of this variant in disease. Therefore, it has been classified as a Variant of Uncertain Significance. Advanced modeling of protein sequence and biophysical properties (such as structural, functional, and spatial information, amino acid conservation, physicochemical variation, residue mobility, and thermodynamic stability) performed at Invitae indicates that this missense variant is not expected to disrupt MYO3A protein function. ClinVar contains an entry for this variant (Variation ID: 2416471). This variant has not been reported in the literature in individuals affected with MYO3A-related conditions. This variant is present in population databases (rs752039263, gnomAD 0.01%). This sequence change replaces serine, which is neutral and polar, with leucine, which is neutral and non-polar, at codon 1008 of the MYO3A protein (p.Ser1008Leu).

NM_017433.5(MYO3A):c.3023C>T (p.Ser1008Leu)

Gene: MYO3A (myosin IIIA; plus strand). Cytogenetic location: 10p12.1.
Variant type: single nucleotide variant.
Coding change: c.3023C>T on transcript NM_017433.5 (MANE Select); coding-DNA position 3023, C replaced by T.
Protein change: p.Ser1008Leu; replaces serine 1008 with leucine.
Molecular consequence: missense variant.
Genome position (GRCh38, 1-based): chr10:26,166,090, C>T. VCF-style: chr10-26166090-C-T. GRCh37 (hg19) VCF-style: chr10-26455019-C-T.
Other names: c.3023C>T (NM_017433.4); short protein forms S1008L.
Identifiers: ClinVar variation 2416471 (VCV002416471.7), dbSNP rs752039263, ClinGen allele CA5445140.